The following is an entry in ClinVar:

NM_004646.4(NPHS1):c.1099C>T (p.Arg367Cys)

Gene: NPHS1 (NPHS1 adhesion molecule, nephrin; minus strand). Cytogenetic location: 19q13.12.
Variant type: single nucleotide variant.
Coding change: c.1099C>T on transcript NM_004646.4 (MANE Select); coding-DNA position 1099, C replaced by T.
Protein change: p.Arg367Cys; replaces arginine 367 with cysteine.
Molecular consequence: missense variant.
Genome position (GRCh38, 1-based): chr19:35,848,708, G>A on the plus strand (C>T on the coding strand, the complement: NPHS1 is on the minus strand). VCF-style: chr19-35848708-G-A. GRCh37 (hg19) VCF-style: chr19-36339610-G-A.
Other names: short protein forms R367C.
Identifiers: ClinVar variation 56421 (VCV000056421.33), dbSNP rs386833865, ClinGen allele CA250087.

ClinVar aggregate classification (germline): Pathogenic/Likely pathogenic. Review status: criteria provided, multiple submitters, no conflicts (2 of 4 stars). 13 submissions from 13 submitters: Pathogenic (8); Likely pathogenic (3). 2 of the submissions do not count toward it. Last evaluated 2025-10-10.

Conditions:
NPHS1-related disorder. Also called: NPHS1-related condition.
Finnish congenital nephrotic syndrome (NPHS1). Also called: NEPHROTIC SYNDROME, TYPE 1. Identifiers: Orphanet 839, MedGen C0403399, MONDO:0009732, OMIM 256300.
Focal segmental glomerulosclerosis (FSGS). Also called: Glomerulosclerosis, focal; Focal sclerosis with hyalinosis. Identifiers: MedGen C0017668, MONDO:0100313, HP:0000097. Disease mechanism: loss of function.

Allele frequency attached by ClinVar (database versions not stated): ExAC 0.00003; gnomAD 0.00002 and 0.00001; gnomAD exomes 0.00003 and 0.00004; TOPMed 0.00003; ESP Exome Variant Server 0.00008.
gnomAD v4.1: 46 of 1,614,040 alleles (0.0028%); highest among the groups gnomAD compares: South Asian, 0.015%; no homozygotes.

Submissions (13):

Natera, Inc.
Classification: Pathogenic for Finnish congenital nephrotic syndrome. Last evaluated: 2025-10-10. Review status: criteria provided, single submitter. Criteria: Natera Variant Classification Schema (03/2026). Collection method: clinical testing. Allele origin: germline.
Comment: The c.1099C>T variant in NPHS1 is a missense variant predicted to cause substitution of arginine to cysteine at amino acid 367. This variant is rare in the general population with a frequency below the threshold expected for the associated phenotype(s). This variant has been observed in one or more individuals affected with the associated recessive disease, as either homozygous or compound heterozygous with a second variant (PMID: 31655822, 25720465). Given the available evidence, this variant is classified as Pathogenic.

Revvity Omics, Revvity
Classification: Likely pathogenic for Finnish congenital nephrotic syndrome. Last evaluated: 2024-11-04. Review status: criteria provided, single submitter. Criteria: ACMG Guidelines, 2015. Collection method: clinical testing. Allele origin: germline.

Fulgent Genetics
Classification: Pathogenic for Finnish congenital nephrotic syndrome. Last evaluated: 2024-04-11. Review status: criteria provided, single submitter. Criteria: ACMG Guidelines, 2015. Collection method: clinical testing. Allele origin: germline.

Genetic Services Laboratory, University of Chicago
Classification: Pathogenic. Last evaluated: 2024-02-09. Review status: criteria provided, single submitter. Criteria: ACMG Guidelines, 2015. Collection method: clinical testing. Allele origin: germline. Affected: yes.
Comment: DNA sequence analysis of the NPHS1 gene demonstrated a sequence change, c.1099C>T, in exon 9 that results in an amino acid change, p.Arg367Cys. The p.Arg367Cys change affects a moderately conserved amino acid residue located in a domain of the NPHS1 protein that is known to be functional. The p.Arg367Cys substitution appears to be deleterious using several in-silico pathogenicity prediction tools (SIFT, PolyPhen2, Align GVGD, REVEL). This pathogenic sequence change has previously been described in the homozygous or compound heterozygous state in several individuals with congenital nephrotic syndrome (PMID: 21415313, 24742477, 31655822, 33980730, 35064937). This variant has been described as a possible founder mutation in individuals of Indian descent (PMID: 25349199). Experimental studies indicate that this sequence change affects NPHS1 function (PMID: 11726550). This sequence change has been described in the gnomAD database with a frequency of 0.004% in the overall population (dbSNP rs386833865). The p.Arg367Cys amino acid change occurs in a region of the NPHS1 gene where other missense sequence changes have been described in individuals with NPHS1-related disorders. Collectively, this evidence indicates that this sequence change is pathogenic.

Foundation for Research in Genetics and Endocrinology, FRIGE's Institute of Human Genetics
Classification: Likely pathogenic for Finnish congenital nephrotic syndrome. Last evaluated: 2023-11-16. Review status: criteria provided, single submitter. Criteria: ACMG Guidelines, 2015. Collection method: clinical testing. Allele origin: germline. Inheritance: Autosomal recessive inheritance. Affected: yes. Observed: 1 homozygote.
Comment: A homozygous missense variant in exon 9 of the NPHS1 gene that results in the amino acid substitution of Cysteine for Arginine at codon 367 (p.Arg367Cys) was detected. The observed variant has previously been reported in patients affected with nephrotic syndrome [PMID:30013592]. The p.Arg367Cys variant has not been reported in the 1000 genomes databases and has a minor allele frequency of 0.002%, 0.004% and 0.003% in the gnomAD (v3.1), gnomdAD (v2.1) and topmed databases respectively. The in silico prediction of the variant are probably damaging by PolyPhen-2 (HumDiv) and damaging by SIFT, LRT and MutationTaster2. The reference codon is conserved across mammals. In summary, the variant meets our criteria to be classified as likely pathogenic.

Labcorp Genetics (formerly Invitae), Labcorp
Classification: Pathogenic. Last evaluated: 2023-08-30. Review status: criteria provided, single submitter. Criteria: Invitae Variant Classification Sherloc (09022015). Collection method: clinical testing. Allele origin: germline.
Comment: For these reasons, this variant has been classified as Pathogenic. Experimental studies have shown that this missense change affects NPHS1 function (PMID: 11726550). This sequence change replaces arginine, which is basic and polar, with cysteine, which is neutral and slightly polar, at codon 367 of the NPHS1 protein (p.Arg367Cys). This variant is present in population databases (rs386833865, gnomAD 0.01%). This missense change has been observed in individuals with nephrotic syndrome (PMID: 21415313, 24742477, 31655822). ClinVar contains an entry for this variant (Variation ID: 56421). Advanced modeling of protein sequence and biophysical properties (such as structural, functional, and spatial information, amino acid conservation, physicochemical variation, residue mobility, and thermodynamic stability) performed at Invitae indicates that this missense variant is not expected to disrupt NPHS1 protein function.

Neuberg Centre For Genomic Medicine, NCGM
Classification: Pathogenic for Finnish congenital nephrotic syndrome. Last evaluated: 2023-05-20. Review status: criteria provided, single submitter. Criteria: ACMG Guidelines, 2015. Collection method: clinical testing. Allele origin: germline. Inheritance: Autosomal recessive inheritance. Affected: yes.
Comment: The observed missense c.1099C>T(p.Arg367Cys) variant in NPHS1 gene has been reported in homozygous or compound heterozygous state in individual(s) affected with nephrotic Syndrome (Sinha R, et. al., 2020; Lovric S, et. al., 2014). Experimental studies have shown that this missense change affects NPHS1 function (Liu L, et. al., 2001). This variant is present with an allele frequency of 0.004% in gnomAD Exomes database. This variant has been reported to the ClinVar database as Likely pathogenic/ Pathogenic(multiple submissions). Multiple lines of computational evidence (Polyphen - probably damaging , SIFT - damaging and MutationTaster - disease causing) predict a damaging effect on protein structure and function for this variant. The amino acid change p.Arg367Cys in NPHS1 is predicted as conserved by GERP++ and PhyloP across 100 vertebrates. The amino acid Arg at position 367 is changed to a Cys changing protein sequence and it might alter its composition and physico-chemical properties. For these reasons, this variant has been classified as Pathogenic.

Blueprint Genetics
Classification: Pathogenic for NPHS1-related disorders. Last evaluated: 2022-11-16. Review status: criteria provided, single submitter. Criteria: ACMG Guidelines, 2015. Collection method: clinical testing. Allele origin: germline. Affected: yes. Observed: 2 variant alleles.

Genome Diagnostics Laboratory, The Hospital for Sick Children
Classification: Likely pathogenic for Focal segmental glomerulosclerosis. Last evaluated: 2021-10-18. Review status: criteria provided, single submitter. Criteria: ACMG Guidelines, 2015. Collection method: clinical testing. Allele origin: germline.

Women's Health and Genetics/Laboratory Corporation of America, LabCorp
Classification: Pathogenic for Finnish congenital nephrotic syndrome. Last evaluated: 2017-10-09. Review status: criteria provided, single submitter. Criteria: LabCorp Variant Classification Summary - May 2015. Collection method: clinical testing. Allele origin: germline.
Comment: Variant summary: The NPHS1 c.1099C>T (p.Arg367Cys) variant involves the alteration of a conserved nucleotide. 4/4 in silico tools predict a damaging outcome for this variant (SNPsandGO not captured due to low reliability index). This variant was found in 10/246176 control chromosomes at a frequency of 0.0000406, which does not exceed the estimated maximal expected allele frequency of a pathogenic NPHS1 variant (0.0033541). The variant has been reported in affected individuals in the literature, and has been described as an Indian founder mutation (Sadowski_2015). In in vitro studies, the variant was shown to result in the absence of cell-surface localization (Liu_2001). In addition, one clinical diagnostic laboratory classified this variant as likely pathogenic. Taken together, this variant is classified as pathogenic.

Kasturba Medical College, Manipal, Kasturba Medical College, Manipal, Manipal Academy of Higher Education, Manipal, India
Classification: Pathogenic for Finnish congenital nephrotic syndrome. Review status: criteria provided, single submitter. Criteria: ACMG Guidelines, 2015. Collection method: clinical testing. Allele origin: unknown. Inheritance: Autosomal recessive inheritance. Affected: no. Observed: 1 heterozygote.

PreventionGenetics, part of Exact Sciences
Classification: Pathogenic for NPHS1-related condition. Last evaluated: 2024-01-19. Review status: no assertion criteria provided. Collection method: clinical testing. Allele origin: germline. Not counted in ClinVar's aggregate classification.
Comment: The NPHS1 c.1099C>T variant is predicted to result in the amino acid substitution p.Arg367Cys. This variant has been repeatedly reported in the compound heterozygous or homozygous state in individuals with congenital nephrotic syndrome (Lenkkeri et al. 1999. PubMed ID: 9915943; Liu L et al. 2001. PubMed ID: 11726550; Lovric S et al. 2014. PubMed ID: 24742477; Sinha R et al. 2019. PubMed ID: 31655822; Koziell A et al. 2002. PubMed ID: 11854170; Joshi A et al. 2021. PubMed ID: 33980730). This variant is reported as a possible founder variant from India (Sadowski et al. 2015. PubMed ID: 25349199). This variant is reported in 0.013% of alleles in individuals of South Asian descent in gnomAD. This variant is interpreted as pathogenic.

Juha Muilu Group; Institute for Molecular Medicine Finland (FIMM)
Classification: Likely pathogenic for Finnish congenital nephrotic syndrome. Review status: no assertion criteria provided. Collection method: not provided. Allele origin: unknown. Not counted in ClinVar's aggregate classification.
Comment: FinDis database variant: FinDis database variant: This variant was not found or characterized by our laboratory, data were collected from public sources: see reference
ClinVar note: Converted during submission from probable-pathogenic to Likely pathogenic.

Literature cited by the submitters: PubMed 31655822 (cited by Natera, Inc. and Labcorp Genetics (formerly Invitae), Labcorp); PubMed 25720465 (cited by Natera, Inc.); PubMed 11726550 (cited by Labcorp Genetics (formerly Invitae), Labcorp and Women's Health and Genetics/Laboratory Corporation of America, LabCorp); PubMed 21415313 (cited by Labcorp Genetics (formerly Invitae), Labcorp); PubMed 24742477 (cited by Labcorp Genetics (formerly Invitae), Labcorp); PubMed 9915943 (cited by Women's Health and Genetics/Laboratory Corporation of America, LabCorp); PubMed 20507940 (cited by Women's Health and Genetics/Laboratory Corporation of America, LabCorp); PubMed 18503012 (cited by Women's Health and Genetics/Laboratory Corporation of America, LabCorp).